The following is an entry in ClinVar:

ClinVar aggregate classification (germline): Uncertain significance. Review status: criteria provided, multiple submitters, no conflicts (2 of 4 stars). 3 submissions from 3 submitters: Uncertain significance (3). Last evaluated 2026-10-01.

Conditions:
RASopathy. Also called: rasopathies; Noonan spectrum disorder. Identifiers: Orphanet 536391, MedGen C5555857, MONDO:0021060.
CBL-related disorder. Also called: CBL SYNDROME; NOONAN SYNDROME-LIKE DISORDER WITHOUT JUVENILE MYELOMONOCYTIC LEUKEMIA; CBL MUTATION-ASSOCIATED SYNDROME. Identifiers: Orphanet 363972, MedGen C3150803, MONDO:0013308, OMIM 613563.
Cardiovascular phenotype. Identifiers: MedGen CN230736.

Allele frequency attached by ClinVar (database versions not stated): gnomAD exomes below 0.00001.
gnomAD v4.1: 2 of 1,613,968 alleles (0.00012%); highest among the groups gnomAD compares: Non-Finnish European, 0.00017%; no homozygotes.

Submissions (3):

St. Jude Molecular Pathology, St. Jude Children's Research Hospital
Classification: Uncertain significance for CBL-related disorder. Last evaluated: 2026-10-01. Review status: criteria provided, single submitter. Criteria: St. Jude Assertion Criteria 2020. Collection method: clinical testing. Allele origin: germline.
Comment: The CBL c.215A>T p.(Asn72Ile) mis sense change is absent in gnomAD v2.1.1. The in silico tool REVEL predicts a deleterious effect on protein function, but to our knowledge this prediction has not been confirmed by functional studies. To our knowledge, this variant has not been reported in individuals with Noonan syndrome-like disorder. In summary, the evidence currently available is insufficient to determine the clinical significance of this variant. It has therefore been classified as of uncertain s ignificance (VUS-mid).

Labcorp Genetics (formerly Invitae), Labcorp
Classification: Uncertain significance for RASopathy. Last evaluated: 2024-06-24. Review status: criteria provided, single submitter. Criteria: Invitae Variant Classification Sherloc (09022015). Collection method: clinical testing. Allele origin: germline.
Comment: This sequence change replaces asparagine, which is neutral and polar, with isoleucine, which is neutral and non-polar, at codon 72 of the CBL protein (p.Asn72Ile). This variant is not present in population databases (gnomAD no frequency). This variant has not been reported in the literature in individuals affected with CBL-related conditions. ClinVar contains an entry for this variant (Variation ID: 1786861). Advanced modeling of protein sequence and biophysical properties (such as structural, functional, and spatial information, amino acid conservation, physicochemical variation, residue mobility, and thermodynamic stability) has been performed at Invitae for this missense variant, however the output from this modeling did not meet the statistical confidence thresholds required to predict the impact of this variant on CBL protein function. In summary, the available evidence is currently insufficient to determine the role of this variant in disease. Therefore, it has been classified as a Variant of Uncertain Significance.

Ambry Genetics
Classification: Uncertain significance for Cardiovascular phenotype. Last evaluated: 2021-07-04. Review status: criteria provided, single submitter. Criteria: Ambry Variant Classification Scheme 2023. Collection method: clinical testing. Allele origin: germline.
Comment: The p.N72I variant (also known as c.215A>T), located in coding exon 2 of the CBL gene, results from an A to T substitution at nucleotide position 215. The asparagine at codon 72 is replaced by isoleucine, an amino acid with dissimilar properties. This amino acid position is conserved. In addition, the in silico prediction for this alteration is inconclusive. Since supporting evidence is limited at this time, the clinical significance of this alteration remains unclear.

NM_005188.4(CBL):c.215A>T (p.Asn72Ile)

Gene: CBL (Cbl proto-oncogene; plus strand). Cytogenetic location: 11q23.3.
Variant type: single nucleotide variant.
Coding change: c.215A>T on transcript NM_005188.4 (MANE Select); coding-DNA position 215, A replaced by T.
Protein change: p.Asn72Ile; replaces asparagine 72 with isoleucine.
Molecular consequence: missense variant.
Genome position (GRCh38, 1-based): chr11:119,232,467, A>T. VCF-style: chr11-119232467-A-T. GRCh37 (hg19) VCF-style: chr11-119103177-A-T.
Other names: short protein forms N72I.
Identifiers: ClinVar variation 1786861 (VCV001786861.5), dbSNP rs2496865670, ClinGen allele CA382894102.